The following is an entry in ClinVar:

NM_004360.5(CDH1):c.1451C>A (p.Pro484His)

Gene: CDH1 (cadherin 1; plus strand). Cytogenetic location: 16q22.1.
Variant type: single nucleotide variant.
Coding change: c.1451C>A on transcript NM_004360.5 (MANE Select); coding-DNA position 1451, C replaced by A.
Protein change: p.Pro484His; replaces proline 484 with histidine.
Molecular consequence: missense variant. On other transcripts: 5 prime UTR variant (2).
Genome position (GRCh38, 1-based): chr16:68,815,645, C>A. VCF-style: chr16-68815645-C-A. GRCh37 (hg19) VCF-style: chr16-68849548-C-A.
Other names: c.1268C>A, p.Pro423His (NM_001317184.2); c.-98C>A (NM_001317185.2); c.-369C>A (NM_001317186.2); short protein forms P423H, P484H.
Identifiers: ClinVar variation 4721867 (VCV004721867.1).

ClinVar aggregate classification (germline): Uncertain significance (1 of 4 stars; one submission).

Conditions:
Hereditary diffuse gastric adenocarcinoma (HDGC). Also called: DIFFUSE GASTRIC AND LOBULAR BREAST CANCER SYNDROME. Identifiers: Orphanet 26106, MedGen C1708349, MONDO:0007648, OMIM 137215.

Submission:

Labcorp Genetics (formerly Invitae), Labcorp
Classification: Uncertain significance for Hereditary diffuse gastric adenocarcinoma. Last evaluated: 2025-06-22. Review status: criteria provided, single submitter. Criteria: Invitae Variant Classification Sherloc (09022015). Collection method: clinical testing. Allele origin: germline.
Comment: This sequence change replaces proline, which is neutral and non-polar, with histidine, which is basic and polar, at codon 484 of the CDH1 protein (p.Pro484His). This variant is not present in population databases (gnomAD no frequency). This variant has not been reported in the literature in individuals affected with CDH1-related conditions. An algorithm developed to predict the effect of missense changes on protein structure and function (PolyPhen-2) suggests that this variant is likely to be disruptive. In summary, the available evidence is currently insufficient to determine the role of this variant in disease. Therefore, it has been classified as a Variant of Uncertain Significance.